The following is an entry in ClinVar:

NM_001194.4(HCN2):c.2224G>A (p.Val742Met)

Gene: HCN2 (hyperpolarization activated cyclic nucleotide gated potassium and sodium channel 2; plus strand). Cytogenetic location: 19p13.3.
Variant type: single nucleotide variant.
Coding change: c.2224G>A on transcript NM_001194.4 (MANE Select); coding-DNA position 2224, G replaced by A.
Protein change: p.Val742Met; replaces valine 742 with methionine.
Molecular consequence: missense variant.
Genome position (GRCh38, 1-based): chr19:616,028, G>A. VCF-style: chr19-616028-G-A. GRCh37 (hg19) VCF-style: chr19-616028-G-A.
Other names: short protein forms V742M.
Identifiers: ClinVar variation 2345731 (VCV002345731.4), dbSNP rs577048243, ClinGen allele CA9018882.
Genomic context (GRCh38, chr19:616,028, plus strand): 5'-CAGGTCACCTCGGCCATCGCCACGCTGCAGCAGGCGGCGGCCATGAGCTTCTGCCCGCAG[G>A]TGGCGCGGCCGCTCGTGGGGCCGCTGGCGCTCGGCTCGCCGCGCCTCGTGCGCCGCCCGC-3'
Protein context (NP_001185.3, residues 732-752): QAAAMSFCPQ[Val742Met]ARPLVGPLAL

ClinVar aggregate classification (germline): Likely benign. Review status: criteria provided, multiple submitters, no conflicts (2 of 4 stars). 3 submissions from 3 submitters: Likely benign (3). Last evaluated 2026-07-01.

Conditions:
Inborn genetic diseases. Identifiers: MedGen C0950123, MeSH D030342.

Allele frequency attached by ClinVar (database versions not stated): 1000 Genomes Project 0.00020; gnomAD 0.00024; TOPMed 0.00026; gnomAD exomes 0.00028; 1000 Genomes Project 30x 0.00062.

Submissions (3):

CeGaT Center for Human Genetics Tuebingen
Classification: Likely benign. Last evaluated: 2026-07-01. Review status: criteria provided, single submitter. Criteria: CeGaT Center For Human Genetics Tuebingen Variant Classification Criteria Version 2. Collection method: clinical testing. Allele origin: germline. Affected: yes. Observed: 1 variant allele.
Comment: HCN2: BS2

Laboratory of Genetics, Children's Clinical University Hospital Latvia
Classification: Likely benign. Last evaluated: 2025-02-16. Review status: criteria provided, single submitter. Criteria: ACMG Guidelines, 2015. Collection method: clinical testing. Allele origin: germline. Affected: yes.

Ambry Genetics
Classification: Likely benign for Inborn genetic diseases. Last evaluated: 2021-09-05. Review status: criteria provided, single submitter. Criteria: Ambry Variant Classification Scheme 2023. Collection method: clinical testing. Allele origin: germline.